The following is an entry in ClinVar:

ClinVar aggregate classification (germline): Uncertain significance (1 of 4 stars; one submission).

Conditions:
Beckwith-Wiedemann syndrome (BWS). Also called: EMG SYNDROME; Exomphalos macroglossia gigantism syndrome. Identifiers: Orphanet 116, MedGen C0004903, MONDO:0007534, OMIM 130650.

Allele frequency attached by ClinVar (database versions not stated): gnomAD exomes below 0.00001.

Submission:

Labcorp Genetics (formerly Invitae), Labcorp
Classification: Uncertain significance for Beckwith-Wiedemann syndrome. Last evaluated: 2023-08-23. Review status: criteria provided, single submitter. Criteria: Invitae Variant Classification Sherloc (09022015). Collection method: clinical testing. Allele origin: germline.
Comment: This sequence change replaces glycine, which is neutral and non-polar, with arginine, which is basic and polar, at codon 245 of the CDKN1C protein (p.Gly245Arg). This variant is not present in population databases (gnomAD no frequency). This variant has not been reported in the literature in individuals affected with CDKN1C-related conditions. ClinVar contains an entry for this variant (Variation ID: 404256). Advanced modeling of protein sequence and biophysical properties (such as structural, functional, and spatial information, amino acid conservation, physicochemical variation, residue mobility, and thermodynamic stability) performed at Invitae indicates that this missense variant is not expected to disrupt CDKN1C protein function. In summary, the available evidence is currently insufficient to determine the role of this variant in disease. Therefore, it has been classified as a Variant of Uncertain Significance.

NM_001122630.2(CDKN1C):c.700G>A (p.Gly234Arg)

Gene: CDKN1C (cyclin dependent kinase inhibitor 1C; minus strand). Cytogenetic location: 11p15.4.
Variant type: single nucleotide variant.
Coding change: c.700G>A on transcript NM_001122630.2 (MANE Select); coding-DNA position 700, G replaced by A.
Protein change: p.Gly234Arg; replaces glycine 234 with arginine.
Molecular consequence: missense variant. On other transcripts: intron variant (1).
Genome position (GRCh38, 1-based): chr11:2,884,757, C>T on the plus strand (G>A on the coding strand, the complement: CDKN1C is on the minus strand). VCF-style: chr11-2884757-C-T. GRCh37 (hg19) VCF-style: chr11-2905987-C-T.
Other names: c.733G>A, p.Gly245Arg (NM_000076.2, NM_001362474.2, LRG_533t1); c.700G>A, p.Gly234Arg (NM_001122631.2); c.255+445G>A (NM_001362475.2); short protein forms G245R, G234R.
Identifiers: ClinVar variation 404256 (VCV000404256.8), dbSNP rs1060500181, ClinGen allele CA16613288.